The following is an entry in ClinVar:

ClinVar aggregate classification (germline): Likely benign (1 of 4 stars; one submission).

Conditions:
Interstitial lung disease due to ABCA3 deficiency. Also called: PULMONARY ALVEOLAR PROTEINOSIS, CONGENITAL, 3. Identifiers: Orphanet 440402, MedGen C1970456, MONDO:0012582, OMIM 610921.

Allele frequency attached by ClinVar (database versions not stated): 1000 Genomes Project 0.00100; 1000 Genomes Project 30x 0.00156; TOPMed 0.00187; ESP Exome Variant Server 0.00209; gnomAD exomes 0.00299 and 0.00343; gnomAD 0.00330 and 0.00338; ExAC 0.00646.
gnomAD v4.1: 1,734 of 511,788 alleles (0.34%); highest among the groups gnomAD compares: Non-Finnish European, 0.4%; 5 homozygotes.

Submission:

Illumina Laboratory Services, Illumina
Classification: Likely benign for Interstitial lung disease due to ABCA3 deficiency. Last evaluated: 2018-01-12. Review status: criteria provided, single submitter. Criteria: ICSL Variant Classification Criteria 13 December 2019. Collection method: clinical testing. Allele origin: germline.
Comment: This variant was observed in the ICSL laboratory as part of a predisposition screen in an ostensibly healthy population. It had not been previously curated by ICSL or reported in the Human Gene Mutation Database (HGMD: prior to June 1st, 2018), and was therefore a candidate for classification through an automated scoring system. Utilizing variant allele frequency, disease prevalence and penetrance estimates, and inheritance mode, an automated score was calculated to assess if this variant is too frequent to cause the disease. Based on the score and internal cut-off values, a variant classified as likely benign is not then subjected to further curation. The score for this variant resulted in a classification of likely benign for this disease.

NM_001089.3(ABCA3):c.-67C>T

Gene: ABCA3 (ATP binding cassette subfamily A member 3; minus strand). Cytogenetic location: 16p13.3.
Variant type: single nucleotide variant.
Coding change: c.-67C>T on transcript NM_001089.3 (MANE Select); 67 bases upstream of the start codon, C replaced by T.
Molecular consequence: 5 prime UTR variant.
Genome position (GRCh38, 1-based): chr16:2,328,493, G>A on the plus strand (C>T on the coding strand, the complement: ABCA3 is on the minus strand). VCF-style: chr16-2328493-G-A. GRCh37 (hg19) VCF-style: chr16-2378494-G-A.
Identifiers: ClinVar variation 318581 (VCV000318581.5), dbSNP rs45487892, ClinGen allele CA7841869.